The following is an entry in ClinVar:

NM_005228.5(EGFR):c.667T>C (p.Cys223Arg)

Gene: EGFR (epidermal growth factor receptor; plus strand). Cytogenetic location: 7p11.2.
Variant type: single nucleotide variant.
Coding change: c.667T>C on transcript NM_005228.5 (MANE Select); coding-DNA position 667, T replaced by C.
Protein change: p.Cys223Arg; replaces cysteine 223 with arginine.
Molecular consequence: missense variant. On other transcripts: intron variant (1).
Genome position (GRCh38, 1-based): chr7:55,152,584, T>C. VCF-style: chr7-55152584-T-C. GRCh37 (hg19) VCF-style: chr7-55220277-T-C.
Other names: c.667T>C, p.Cys223Arg (NM_201282.2, NM_201283.2, NM_201284.2 and 1 more transcripts); c.89-3246T>C (NM_001346941.2); c.532T>C, p.Cys178Arg (NM_001346897.2, NM_001346899.2); c.508T>C, p.Cys170Arg (NM_001346900.2); short protein forms C170R, C178R, C223R.
Identifiers: ClinVar variation 4247360 (VCV004247360.1).

ClinVar aggregate classification (germline): Uncertain significance (1 of 4 stars; one submission).

Conditions:
Hereditary cancer-predisposing syndrome. Also called: Hereditary Cancer Syndrome; Hereditary neoplastic syndrome; Neoplastic Syndromes, Hereditary; Tumor predisposition. Identifiers: Orphanet 140162, MedGen C0027672, MeSH D009386, MONDO:0015356.

Submission:

Ambry Genetics
Classification: Uncertain significance for Hereditary cancer-predisposing syndrome. Last evaluated: 2025-09-12. Review status: criteria provided, single submitter. Criteria: Ambry Variant Classification Scheme 2023. Collection method: clinical testing. Allele origin: germline.
Comment: The p.C223R variant (also known as c.667T>C), located in coding exon 6 of the EGFR gene, results from a T to C substitution at nucleotide position 667. The cysteine at codon 223 is replaced by arginine, an amino acid with highly dissimilar properties. This amino acid position is highly conserved in available vertebrate species. In addition, this alteration is predicted to be deleterious by in silico analysis. Based on the available evidence, the clinical significance of this variant remains unclear.